The following is an entry in ClinVar:

ClinVar aggregate classification (germline): Pathogenic. Review status: criteria provided, multiple submitters, no conflicts (2 of 4 stars). 5 submissions from 5 submitters: Pathogenic (5). Last evaluated 2026-08-01.

Conditions:
Neurofibromatosis, type 1 (NF1). Also called: VON RECKLINGHAUSEN DISEASE; NEUROFIBROMATOSIS, TYPE I, SOMATIC; Peripheral type neurofibromatosis; Neurofibromatosis, type I. Identifiers: Orphanet 636, MedGen C0027831, MONDO:0018975, OMIM 162200. Disease mechanism: loss of function.
Neurofibromatosis-Noonan syndrome (NFNS). Also called: NEUROFIBROMATOSIS WITH NOONAN PHENOTYPE. Identifiers: Orphanet 638, MedGen C2931482, MONDO:0011035, OMIM 601321. Disease mechanism: loss of function.
Café-au-lait macules with pulmonary stenosis (WTSN). Also called: PULMONIC STENOSIS WITH CAFE-AU-LAIT SPOTS. Identifiers: MedGen C0553586, MONDO:0008672, OMIM 193520.
Juvenile myelomonocytic leukemia (JMML). Also called: LEUKEMIA, JUVENILE MYELOMONOCYTIC, SOMATIC. Identifiers: Orphanet 86834, MedGen C0349639, MONDO:0011908, OMIM 607785, HP:0012209.
Neurofibromatosis, familial spinal (FSNF). Identifiers: Orphanet 636, MedGen C1834235, MONDO:0008078, OMIM 162210. Disease mechanism: loss of function.
NF1-related disorder. Also called: NF1-related condition. Identifiers: MedGen CN379171.

Submissions (5):

CeGaT Center for Human Genetics Tuebingen
Classification: Pathogenic. Last evaluated: 2026-08-01. Review status: criteria provided, single submitter. Criteria: CeGaT Center For Human Genetics Tuebingen Variant Classification Criteria Version 2. Collection method: clinical testing. Allele origin: germline. Affected: yes. Observed: 1 variant allele.
Comment: NF1: PS4, PM2, PVS1:Moderate, PP4, PS1:Supporting

Labcorp Genetics (formerly Invitae), Labcorp
Classification: Pathogenic for Neurofibromatosis, type 1. Last evaluated: 2025-10-06. Review status: criteria provided, single submitter. Criteria: Invitae Variant Classification Sherloc (09022015). Collection method: clinical testing. Allele origin: germline.
Comment: This sequence change affects a donor splice site in intron 3 of the NF1 gene. RNA analysis indicates that disruption of this splice site induces altered splicing and likely results in a shortened protein product. This variant is not present in population databases (gnomAD no frequency). Disruption of this splice site has been observed in individuals with neurofibromatosis type 1 (PMID: 10633134, 17311297, 26056819). Invitae Evidence Modeling of clinical and family history, age, sex, and reported ancestry of multiple individuals with this NF1 variant has been performed. This variant is expected to be pathogenic with a positive predictive value of at least 99%. This is a validated machine learning model that incorporates the clinical features of 1,785,918 individuals referred to our laboratory for NF1 testing. This variant is also known as IVS4+1G>A. ClinVar contains an entry for this variant (Variation ID: 863797). Studies have shown that disruption of this splice site results in skipping of exon 3, but is expected to preserve the integrity of the reading-frame (internal data). This variant disrupts a region of the NF1 protein in which other variant(s) (p.Gln83Pro) have been determined to be pathogenic (PMID: 23913538; internal data). This suggests that this is a clinically significant region of the protein, and that variants that disrupt it are likely to be disease-causing. For these reasons, this variant has been classified as Pathogenic.

Institute of Human Genetics, Clinical Exome/Genome Diagnostics Group, University Hospital Bonn
Classification: Pathogenic for Neurofibromatosis-Noonan syndrome; Neurofibromatosis, familial spinal; Neurofibromatosis, type 1; Café-au-lait macules with pulmonary stenosis; Juvenile myelomonocytic leukemia. Last evaluated: 2024-09-24. Review status: criteria provided, single submitter. Criteria: ACMG Guidelines, 2015. Collection method: clinical testing. Allele origin: germline. Affected: yes.

Quest Diagnostics Nichols Institute San Juan Capistrano
Classification: Pathogenic. Last evaluated: 2024-08-27. Review status: criteria provided, single submitter. Criteria: Quest Diagnostics criteria. Collection method: clinical testing. Allele origin: unknown.
Comment: The NF1 c.288+1G>A variant disrupts a canonical splice-donor site and interferes with normal NF1 mRNA splicing. This variant has been reported in the published literature in individuals with neurofibromatosis 1 (NF1) (PMID: 31776437 (2020), 31370276 (2019), 27986441(2017)). In a large-scale breast cancer association study, this variant has been observed in a breast cancer case (PMID: 33471991 (2021), see also LOVD). This variant results in an in-frame skipping of exon 3 (PMID: 18546366 (2008)) and other variants at this same canonical splice-donor site (c.288+1G>C and c.288+1G>T) have been described as pathogenic (ClinVar). This variant has not been reported in large, multi-ethnic general populations (Genome Aggregation Database). Based on the available information, this variant is classified as pathogenic.

Blueprint Genetics
Classification: Pathogenic for NF1-related disorders. Last evaluated: 2023-08-04. Review status: criteria provided, single submitter. Criteria: ACMG Guidelines, 2015. Collection method: clinical testing. Allele origin: germline. Affected: yes. Observed: 1 variant allele.

Literature cited by the submitters: PubMed 10633134 (cited by Labcorp Genetics (formerly Invitae), Labcorp and Quest Diagnostics Nichols Institute San Juan Capistrano); PubMed 17311297 (cited by Labcorp Genetics (formerly Invitae), Labcorp); PubMed 26056819 (cited by Labcorp Genetics (formerly Invitae), Labcorp); PubMed 23913538 (cited by Labcorp Genetics (formerly Invitae), Labcorp); PubMed 27986441 (cited by Quest Diagnostics Nichols Institute San Juan Capistrano); PubMed 31776437 (cited by Quest Diagnostics Nichols Institute San Juan Capistrano); PubMed 31370276 (cited by Quest Diagnostics Nichols Institute San Juan Capistrano); PubMed 33471991 (cited by Quest Diagnostics Nichols Institute San Juan Capistrano); PubMed 18546366 (cited by Quest Diagnostics Nichols Institute San Juan Capistrano).

NM_001042492.3(NF1):c.288+1G>A

Gene: NF1 (neurofibromin 1; plus strand). Cytogenetic location: 17q11.2.
Variant type: single nucleotide variant.
Coding change: c.288+1G>A on transcript NM_001042492.3 (MANE Select); the canonical splice donor site of the intron after coding-DNA position 288, G replaced by A.
Molecular consequence: splice donor variant.
Genome position (GRCh38, 1-based): chr17:31,159,094, G>A. VCF-style: chr17-31159094-G-A. GRCh37 (hg19) VCF-style: chr17-29486112-G-A.
Other names: c.288+1G>A (NM_000267.4, NM_001128147.3).
Identifiers: ClinVar variation 863797 (VCV000863797.11), dbSNP rs1567816131, ClinGen allele CA398989907.